The following is an entry in ClinVar:

NM_007074.4(CORO1A):c.500T>C (p.Met167Thr)

Gene: CORO1A (coronin 1A; plus strand). Cytogenetic location: 16p11.2.
Variant type: single nucleotide variant.
Coding change: c.500T>C on transcript NM_007074.4 (MANE Select); coding-DNA position 500, T replaced by C.
Protein change: p.Met167Thr; replaces methionine 167 with threonine.
Molecular consequence: missense variant.
Genome position (GRCh38, 1-based): chr16:30,187,087, T>C. VCF-style: chr16-30187087-T-C. GRCh37 (hg19) VCF-style: chr16-30198408-T-C.
Other names: c.500T>C, p.Met167Thr (NM_001193333.3); short protein forms M167T.
Identifiers: ClinVar variation 847883 (VCV000847883.10), dbSNP rs527428900, ClinGen allele CA8003148.

ClinVar aggregate classification (germline): Uncertain significance. Review status: criteria provided, multiple submitters, no conflicts (2 of 4 stars). 3 submissions from 3 submitters: Uncertain significance (3). Last evaluated 2025-08-26.

Conditions:
Severe combined immunodeficiency due to CORO1A deficiency. Also called: IMMUNODEFICIENCY 8 WITH LYMPHOPROLIFERATION; Immunodeficiency 8. Identifiers: Orphanet 228003, MedGen C3809383, MONDO:0014168, OMIM 615401.
Inborn genetic diseases. Identifiers: MedGen C0950123, MeSH D030342.

Allele frequency attached by ClinVar (database versions not stated): gnomAD exomes 0.00001 and 0.00002; TOPMed 0.00002; gnomAD 0.00003 and 0.00004; ExAC 0.00004; 1000 Genomes Project 30x 0.00016; 1000 Genomes Project 0.00020.

Submissions (3):

Ambry Genetics
Classification: Uncertain significance for Inborn genetic diseases. Last evaluated: 2025-08-26. Review status: criteria provided, single submitter. Criteria: Ambry Variant Classification Scheme 2023. Collection method: clinical testing. Allele origin: germline.

Labcorp Genetics (formerly Invitae), Labcorp
Classification: Uncertain significance for Severe combined immunodeficiency due to CORO1A deficiency. Last evaluated: 2022-02-04. Review status: criteria provided, single submitter. Criteria: Invitae Variant Classification Sherloc (09022015). Collection method: clinical testing. Allele origin: germline.
Comment: In summary, the available evidence is currently insufficient to determine the role of this variant in disease. Therefore, it has been classified as a Variant of Uncertain Significance. Algorithms developed to predict the effect of missense changes on protein structure and function are either unavailable or do not agree on the potential impact of this missense change (SIFT: "Deleterious"; PolyPhen-2: "Benign"; Align-GVGD: "Class C0"). ClinVar contains an entry for this variant (Variation ID: 847883). This variant has not been reported in the literature in individuals affected with CORO1A-related conditions. This variant is present in population databases (rs527428900, gnomAD 0.02%). This sequence change replaces methionine, which is neutral and non-polar, with threonine, which is neutral and polar, at codon 167 of the CORO1A protein (p.Met167Thr).

Breakthrough Genomics
Classification: Uncertain significance. Review status: criteria provided, single submitter. Criteria: ACMG Guidelines, 2015. Collection method: not provided. Allele origin: germline. Inheritance: Autosomal recessive inheritance. Affected: yes.